The following is an entry in ClinVar:

NM_004614.5(TK2):c.422A>C (p.Tyr141Ser)

Gene: TK2 (thymidine kinase 2; minus strand). Cytogenetic location: 16q21.
Variant type: single nucleotide variant.
Coding change: c.422A>C on transcript NM_004614.5 (MANE Select); coding-DNA position 422, A replaced by C.
Protein change: p.Tyr141Ser; replaces tyrosine 141 with serine.
Molecular consequence: missense variant. On other transcripts: non-coding transcript variant (1).
Genome position (GRCh38, 1-based): chr16:66,529,021, T>G on the plus strand (A>C on the coding strand, the complement: TK2 is on the minus strand). VCF-style: chr16-66529021-T-G. GRCh37 (hg19) VCF-style: chr16-66562924-T-G.
Other names: c.329A>C, p.Tyr110Ser (NM_001172643.1, NM_001271935.1); c.347A>C, p.Tyr116Ser (NM_001172644.2); c.368A>C, p.Tyr123Ser (NM_001172645.2); c.275A>C, p.Tyr92Ser (NM_001271934.2); c.131A>C, p.Tyr44Ser (NM_001272050.2); short protein forms Y110S, Y116S, Y123S, Y141S, Y44S, Y92S.
Identifiers: ClinVar variation 3778870 (VCV003778870.2).

ClinVar aggregate classification (germline): Uncertain significance (1 of 4 stars; one submission).

Conditions:
Mitochondrial disease. Also called: Mitochondrial disorders; Mitochondrial disorder. Identifiers: Orphanet 68380, MedGen C0751651, MeSH D028361, MONDO:0044970.

Submission:

Genomenon, Inc
Classification: Uncertain significance for Mitochondrial disease. Last evaluated: 2025-11-24. Review status: criteria provided, single submitter. Criteria: Genomenon Sequence Variant Interpretation Standards - Updated. Collection method: curation. Allele origin: germline. Affected: no.
Comment: TK2 p.Tyr141Ser (c.422A>C) is a missense variant that changes the amino acid at residue 141 from Tyrosine to Serine. This variant has been reported in the published literature (34758700). This variant is not present at a significant frequency in gnomAD, and in silico models agree that this variant is possibly or probably damaging. In conclusion, we classify TK2 p.Tyr141Ser (c.422A>C) as a variant of uncertain significance.

Literature cited by the submitters: PubMed 34758700.